The following is an entry in ClinVar:

ClinVar aggregate classification (germline): Uncertain significance (1 of 4 stars; one submission).

Conditions:
Inborn genetic diseases. Identifiers: MedGen C0950123, MeSH D030342.

Submission:

Ambry Genetics
Classification: Uncertain significance for Inborn genetic diseases. Last evaluated: 2022-06-27. Review status: criteria provided, single submitter. Criteria: Ambry Variant Classification Scheme 2023. Collection method: clinical testing. Allele origin: germline.
Comment: The c.12444_12446delTTA () alteration is located in exon 7 (coding exon 7) of the PCLO gene. This alteration consists of an in-frame deletion of 3 nucleotides between nucleotide positions c.12444 and c.12446, resulting in the deletion of <NA> residues. Based on insufficient or conflicting evidence, the clinical significance of this alteration remains unclear.

NM_033026.6(PCLO):c.12441TTA[1] (p.Tyr4149del)

Gene: PCLO (piccolo presynaptic cytomatrix protein; minus strand). Cytogenetic location: 7q21.11.
Variant type: Microsatellite.
Coding change: c.12441TTA[1] on transcript NM_033026.6 (MANE Select); one copy of the 3-base unit TTA starting at c.12441; the reference has two copies in a row; one copy, 3 bases deleted.
Protein change: p.Tyr4149del; deletes tyrosine 4149.
Molecular consequence: inframe deletion.
Genome position (GRCh38, 1-based): chr7:82,915,540-82,915,542, TAA deleted on the plus strand (TTA on the coding strand, the reverse complement: PCLO is on the minus strand); deleting any 3 consecutive bases within chr7:82,915,540-82,915,546 gives the same sequence; the position shown is the placement nearest the transcript's 3' end. VCF-style (leftmost placement, unchanged base first): chr7-82915539-GTAA-G. GRCh37 (hg19) VCF-style: chr7-82544855-GTAA-G.
Other names: c.12441TTA[1], p.Tyr4149del (NM_014510.3); short protein forms Y4149del.
Identifiers: ClinVar variation 2407758 (VCV002407758.2), dbSNP rs2535549712, ClinGen allele CA2578926157.